The following is an entry in ClinVar:

ClinVar aggregate classification (germline): Uncertain significance. Review status: criteria provided, multiple submitters, no conflicts (2 of 4 stars). 4 submissions from 3 submitters: Uncertain significance (4). Last evaluated 2025-08-02.

Conditions:
Schwartz-Jampel syndrome. Also called: Myotonic myopathy dwarfism chondrodystrophy and ocular and facial abnormalities. Identifiers: Orphanet 800, MedGen C0036391, MONDO:0009717.
Lethal Kniest-like syndrome (DDSH). Also called: Dyssegmental Dysplasia. Identifiers: Orphanet 1865, MedGen C1857100, MONDO:0009140, OMIM 224410.
Inborn genetic diseases. Identifiers: MedGen C0950123, MeSH D030342.

Allele frequency attached by ClinVar (database versions not stated): ExAC 0.00001; gnomAD exomes 0.00001 and 0.00002; TOPMed 0.00001.
gnomAD v4.1: 21 of 1,612,400 alleles (0.0013%); highest among the groups gnomAD compares: Non-Finnish European, 0.0017%; no homozygotes.

Submissions (4):

Ambry Genetics
Classification: Uncertain significance for Inborn genetic diseases. Last evaluated: 2025-08-02. Review status: criteria provided, single submitter. Criteria: Ambry Variant Classification Scheme 2023. Collection method: clinical testing. Allele origin: germline.

Labcorp Genetics (formerly Invitae), Labcorp
Classification: Uncertain significance. Last evaluated: 2023-07-30. Review status: criteria provided, single submitter. Criteria: Invitae Variant Classification Sherloc (09022015). Collection method: clinical testing. Allele origin: germline.
Comment: This variant has not been reported in the literature in individuals affected with HSPG2-related conditions. This variant is present in population databases (rs746717616, gnomAD 0.003%). This sequence change replaces proline, which is neutral and non-polar, with leucine, which is neutral and non-polar, at codon 1872 of the HSPG2 protein (p.Pro1872Leu). ClinVar contains an entry for this variant (Variation ID: 295830). In summary, the available evidence is currently insufficient to determine the role of this variant in disease. Therefore, it has been classified as a Variant of Uncertain Significance. An algorithm developed to predict the effect of missense changes on protein structure and function (PolyPhen-2) suggests that this variant is likely to be disruptive.

Illumina Laboratory Services, Illumina
Classification: Uncertain significance for Lethal Kniest-like syndrome. Last evaluated: 2018-01-13. Review status: criteria provided, single submitter. Criteria: ICSL Variant Classification Criteria 13 December 2019. Collection method: clinical testing. Allele origin: germline.

Illumina Laboratory Services, Illumina
Classification: Uncertain significance for Schwartz-Jampel syndrome type 1. Last evaluated: 2018-01-13. Review status: criteria provided, single submitter. Criteria: ICSL Variant Classification Criteria 13 December 2019. Collection method: clinical testing. Allele origin: germline.

NM_005529.7(HSPG2):c.5615C>T (p.Pro1872Leu)

Gene: HSPG2 (heparan sulfate proteoglycan 2; minus strand). Cytogenetic location: 1p36.12.
Variant type: single nucleotide variant.
Coding change: c.5615C>T on transcript NM_005529.7 (MANE Select); coding-DNA position 5615, C replaced by T.
Protein change: p.Pro1872Leu; replaces proline 1872 with leucine.
Molecular consequence: missense variant.
Genome position (GRCh38, 1-based): chr1:21,855,873, G>A on the plus strand (C>T on the coding strand, the complement: HSPG2 is on the minus strand). VCF-style: chr1-21855873-G-A. GRCh37 (hg19) VCF-style: chr1-22182366-G-A.
Other names: c.5618C>T, p.Pro1873Leu (NM_001291860.2); short protein forms P1872L, P1873L.
Identifiers: ClinVar variation 295830 (VCV000295830.9), dbSNP rs746717616, ClinGen allele CA671853.